The following is an entry in ClinVar:

NM_020320.5(RARS2):c.1035G>A (p.Val345=)

Gene: RARS2 (arginyl-tRNA synthetase 2, mitochondrial; minus strand). Cytogenetic location: 6q15.
Variant type: single nucleotide variant.
Coding change: c.1035G>A on transcript NM_020320.5 (MANE Select); coding-DNA position 1035, G replaced by A.
Protein change: p.Val345=; no amino-acid change (valine 345 retained).
Molecular consequence: synonymous variant. On other transcripts: non-coding transcript variant (23).
Genome position (GRCh38, 1-based): chr6:87,521,464, C>T on the plus strand (G>A on the coding strand, the complement: RARS2 is on the minus strand). VCF-style: chr6-87521464-C-T. GRCh37 (hg19) VCF-style: chr6-88231182-C-T.
Other names: c.510G>A, p.Val170= (NM_001318785.2, NM_001350506.2, NM_001350507.2 and 4 more transcripts); c.1035G>A, p.Val345= (NM_001350505.2).
Identifiers: ClinVar variation 3430438 (VCV003430438.1).
Genomic context (GRCh38, chr6:87,521,464, plus strand): 5'-TTTCTACCTCTGTAGTTTTCATGAGTTAAGAGATCATAACTTTTTGTTCTGATTACTTAC[C>T]ACATATATCATTGTATCAAAATTATACTTGTCCATTCGATCTATAGCAGCTGCAAGATCT-3'
Protein context (NP_064716.2, residues 335-355): DKYNFDTMIY[Val345=]TDKGQKKHFQ

ClinVar aggregate classification (germline): Uncertain significance (1 of 4 stars; one submission).

Conditions:
Inborn genetic diseases. Identifiers: MedGen C0950123, MeSH D030342.

gnomAD v4.1: 3 of 1,597,224 alleles (0.00019%); highest among the groups gnomAD compares: Non-Finnish European, 0.00026%; no homozygotes.

Submission:

Ambry Genetics
Classification: Uncertain significance for Inborn genetic diseases. Last evaluated: 2024-09-16. Review status: criteria provided, single submitter. Criteria: Ambry Variant Classification Scheme 2023. Collection method: clinical testing. Allele origin: germline.
Comment: Occurs in the last base pair of the exon Based on insufficient or conflicting evidence, the clinical significance of this alteration remains unclear.